The following is an entry in ClinVar:

NM_001290043.2(TAP2):c.2040G>T (p.Leu680=)

Gene: TAP2 (transporter 2, ATP binding cassette subfamily B member; minus strand). Cytogenetic location: 6p21.32.
Variant type: single nucleotide variant.
Coding change: c.2040G>T on transcript NM_001290043.2 (MANE Select); coding-DNA position 2040, G replaced by T.
Protein change: p.Leu680=; no amino-acid change (leucine 680 retained).
Molecular consequence: synonymous variant. On other transcripts: intron variant (1).
Genome position (GRCh38, 1-based): chr6:32,828,927, C>A on the plus strand (G>T on the coding strand, the complement: TAP2 is on the minus strand). VCF-style: chr6-32828927-C-A. GRCh37 (hg19) VCF-style: chr6-32796704-C-A.
Other names: c.1932+473G>T (NM_018833.3).
Identifiers: ClinVar variation 3771186 (VCV003771186.13).
Genomic context (GRCh38, chr6:32,828,927, plus strand): 5'-CCGCTGCTGCACCAGGCGGGAATAGAGGTCCTGTCCCTCCTAGAGCTGGGCAAGCTTCTG[C>A]AGCTTGCCCTCCTGGAGCACCAGGATCTGGTGGGCGCGCTGAACTGTCTGCAGCCTGTGA-3'
Protein context (NP_001276972.1, residues 670-686): HQILVLQEGK[Leu680=]QKLAQL

ClinVar aggregate classification (germline): Likely benign (1 of 4 stars; one submission).

Submission:

CeGaT Center for Human Genetics Tuebingen
Classification: Likely benign. Last evaluated: 2026-04-01. Review status: criteria provided, single submitter. Criteria: CeGaT Center For Human Genetics Tuebingen Variant Classification Criteria Version 2. Collection method: clinical testing. Allele origin: germline. Affected: yes. Observed: 2 variant alleles.
Comment: TAP2: BP4, BP7